The following is an entry in ClinVar:

NM_000257.4(MYH7):c.2689A>C (p.Asn897His)

Gene: MYH7 (myosin heavy chain 7; minus strand). Cytogenetic location: 14q11.2.
Variant type: single nucleotide variant.
Coding change: c.2689A>C on transcript NM_000257.4 (MANE Select); coding-DNA position 2689, A replaced by C.
Protein change: p.Asn897His; replaces asparagine 897 with histidine.
Molecular consequence: missense variant.
Genome position (GRCh38, 1-based): chr14:23,424,140, T>G on the plus strand (A>C on the coding strand, the complement: MYH7 is on the minus strand). VCF-style: chr14-23424140-T-G. GRCh37 (hg19) VCF-style: chr14-23893349-T-G.
Other names: c.2689A>C, p.Asn897His (NM_001407004.1); short protein forms N897H.
Identifiers: ClinVar variation 2753129 (VCV002753129.3), dbSNP rs766453153, ClinGen allele CA034040.

ClinVar aggregate classification (germline): Uncertain significance (1 of 4 stars; one submission).

Conditions:
Hypertrophic cardiomyopathy. Also called: HYPERTROPHIC MYOCARDIOPATHY. Identifiers: Orphanet 217569, MedGen C0007194, MeSH D002312, MONDO:0005045, HP:0001639.

Allele frequency attached by ClinVar (database versions not stated): gnomAD exomes below 0.00001; ExAC 0.00001.

Submission:

Labcorp Genetics (formerly Invitae), Labcorp
Classification: Uncertain significance for Hypertrophic cardiomyopathy. Last evaluated: 2023-08-22. Review status: criteria provided, single submitter. Criteria: Invitae Variant Classification Sherloc (09022015). Collection method: clinical testing. Allele origin: germline.
Comment: In summary, the available evidence is currently insufficient to determine the role of this variant in disease. Therefore, it has been classified as a Variant of Uncertain Significance. Advanced modeling of protein sequence and biophysical properties (such as structural, functional, and spatial information, amino acid conservation, physicochemical variation, residue mobility, and thermodynamic stability) performed at Invitae indicates that this missense variant is expected to disrupt MYH7 protein function. This variant has not been reported in the literature in individuals affected with MYH7-related conditions. This variant is present in population databases (rs766453153, gnomAD 0.0009%). This sequence change replaces asparagine, which is neutral and polar, with histidine, which is basic and polar, at codon 897 of the MYH7 protein (p.Asn897His).